The following is an entry in ClinVar:

NM_021625.5(TRPV4):c.604C>G (p.Leu202Val)

Gene: TRPV4 (transient receptor potential cation channel subfamily V member 4; minus strand). Cytogenetic location: 12q24.11.
Variant type: single nucleotide variant.
Coding change: c.604C>G on transcript NM_021625.5 (MANE Select); coding-DNA position 604, C replaced by G.
Protein change: p.Leu202Val; replaces leucine 202 with valine.
Molecular consequence: missense variant.
Genome position (GRCh38, 1-based): chr12:109,803,099, G>C on the plus strand (C>G on the coding strand, the complement: TRPV4 is on the minus strand). VCF-style: chr12-109803099-G-C. GRCh37 (hg19) VCF-style: chr12-110240904-G-C.
Other names: c.604C>G, p.Leu202Val (NM_001177428.2, NM_001177433.2, NM_147204.3); c.502C>G, p.Leu168Val (NM_001177431.2); short protein forms L202V, L168V.
Identifiers: ClinVar variation 1047412 (VCV001047412.8), dbSNP rs1890913335, ClinGen allele CA386656188.

ClinVar aggregate classification (germline): Uncertain significance (1 of 4 stars; one submission).

Conditions:
Charcot-Marie-Tooth disease axonal type 2C (HMSN2C). Also called: Charcot-Marie-Tooth Disease Type 2, TRPV4-Related (CMT2C); CHARCOT-MARIE-TOOTH DISEASE, AXONAL, AUTOSOMAL DOMINANT, TYPE 2C; Charcot-Marie-Tooth Neuropathy Type 2C. Identifiers: Orphanet 99937, MedGen C1853710, MONDO:0011633, OMIM 606071.

Submission:

Labcorp Genetics (formerly Invitae), Labcorp
Classification: Uncertain significance for Charcot-Marie-Tooth disease axonal type 2C. Last evaluated: 2020-07-19. Review status: criteria provided, single submitter. Criteria: Invitae Variant Classification Sherloc (09022015). Collection method: clinical testing. Allele origin: germline.
Comment: This sequence change replaces leucine with valine at codon 202 of the TRPV4 protein (p.Leu202Val). The leucine residue is moderately conserved and there is a small physicochemical difference between leucine and valine. This variant is not present in population databases (ExAC no frequency). This variant has not been reported in the literature in individuals with TRPV4-related conditions. Advanced modeling of protein sequence and biophysical properties (such as structural, functional, and spatial information, amino acid conservation, physicochemical variation, residue mobility, and thermodynamic stability) performed at Invitae indicates that this missense variant is expected to disrupt TRPV4 protein function. Algorithms developed to predict the effect of sequence changes on RNA splicing suggest that this variant may create or strengthen a splice site, but this prediction has not been confirmed by published transcriptional studies. In summary, the available evidence is currently insufficient to determine the role of this variant in disease. Therefore, it has been classified as a Variant of Uncertain Significance.